The following is an entry in ClinVar:

ClinVar aggregate classification (germline): Uncertain significance (1 of 4 stars; one submission).

Conditions:
Inborn genetic diseases. Identifiers: MedGen C0950123, MeSH D030342.

gnomAD v4.1: 2 of 1,612,710 alleles (0.00012%); highest among the groups gnomAD compares: Non-Finnish European, 0.000085%; no homozygotes.

Submission:

Ambry Genetics
Classification: Uncertain significance for Inborn genetic diseases. Last evaluated: 2024-05-22. Review status: criteria provided, single submitter. Criteria: Ambry Variant Classification Scheme 2023. Collection method: clinical testing. Allele origin: germline.
Comment: The p.A1464D variant (also known as c.4391C>A), located in coding exon 31 of the LRRK2 gene, results from a C to A substitution at nucleotide position 4391. The alanine at codon 1464 is replaced by aspartic acid, an amino acid with dissimilar properties. This amino acid position is conserved. In addition, this alteration is predicted to be tolerated by in silico analysis. Based on the available evidence, the clinical significance of this variant remains unclear.

NM_198578.4(LRRK2):c.4391C>A (p.Ala1464Asp)

Gene: LRRK2 (leucine rich repeat kinase 2; plus strand). Cytogenetic location: 12q12.
Variant type: single nucleotide variant.
Coding change: c.4391C>A on transcript NM_198578.4 (MANE Select); coding-DNA position 4391, C replaced by A.
Protein change: p.Ala1464Asp; replaces alanine 1464 with aspartic acid.
Molecular consequence: missense variant.
Genome position (GRCh38, 1-based): chr12:40,310,504, C>A. VCF-style: chr12-40310504-C-A. GRCh37 (hg19) VCF-style: chr12-40704306-C-A.
Other names: short protein forms A1464D.
Identifiers: ClinVar variation 3292026 (VCV003292026.1).